The following is an entry in ClinVar:

NM_001083961.2(WDR62):c.642C>T (p.Val214=)

Gene: WDR62 (WD repeat domain 62; plus strand). Cytogenetic location: 19q13.12.
Variant type: single nucleotide variant.
Coding change: c.642C>T on transcript NM_001083961.2 (MANE Select); coding-DNA position 642, C replaced by T.
Protein change: p.Val214=; no amino-acid change (valine 214 retained).
Molecular consequence: synonymous variant.
Genome position (GRCh38, 1-based): chr19:36,067,386, C>T. VCF-style: chr19-36067386-C-T. GRCh37 (hg19) VCF-style: chr19-36558288-C-T.
Other names: c.642C>T, p.Val214= (NM_001411145.1, NM_001411146.1, NM_001411147.1 and 1 more transcripts).
Identifiers: ClinVar variation 3058050 (VCV003058050.2), dbSNP rs2513449687, ClinGen allele CA507109743.

ClinVar aggregate classification (germline): Likely benign (0 of 4 stars; one submission).

Conditions:
WDR62-related disorder. Also called: WDR62-related condition.

Submission:

PreventionGenetics, part of Exact Sciences
Classification: Likely benign for WDR62-related condition. Last evaluated: 2021-07-15. Review status: no assertion criteria provided. Collection method: clinical testing. Allele origin: germline.
Comment: This variant is classified as likely benign based on ACMG/AMP sequence variant interpretation guidelines (Richards et al. 2015 PMID: 25741868, with internal and published modifications).